The following is an entry in ClinVar:

ClinVar aggregate classification (germline): Conflicting classifications of pathogenicity. Review status: criteria provided, conflicting classifications (1 of 4 stars). 4 submissions from 4 submitters: Uncertain significance (1); Likely benign (3). Last evaluated 2026-04-01.

Conditions:
Inborn genetic diseases. Identifiers: MedGen C0950123, MeSH D030342.

Allele frequency attached by ClinVar (database versions not stated): gnomAD 0.00026 and 0.00028; TOPMed 0.00036.
gnomAD v4.1: 41 of 1,080,078 alleles (0.0038%); highest among the groups gnomAD compares: Admixed American, 0.22%; no homozygotes.

Submissions (4):

CeGaT Center for Human Genetics Tuebingen
Classification: Likely benign. Last evaluated: 2026-04-01. Review status: criteria provided, single submitter. Criteria: CeGaT Center For Human Genetics Tuebingen Variant Classification Criteria Version 2. Collection method: clinical testing. Allele origin: germline. Affected: yes. Observed: 1 variant allele.
Comment: GRIN2D: BS1

Labcorp Genetics (formerly Invitae), Labcorp
Classification: Likely benign. Last evaluated: 2025-12-15. Review status: criteria provided, single submitter. Criteria: Invitae Variant Classification Sherloc (09022015). Collection method: clinical testing. Allele origin: germline.

Ambry Genetics
Classification: Uncertain significance for Inborn genetic diseases. Last evaluated: 2025-04-03. Review status: criteria provided, single submitter. Criteria: Ambry Variant Classification Scheme 2023. Collection method: clinical testing. Allele origin: germline.

Women's Health and Genetics/Laboratory Corporation of America, LabCorp
Classification: Likely benign. Last evaluated: 2025-03-17. Review status: criteria provided, single submitter. Criteria: LabCorp Variant Classification Summary - May 2015. Collection method: clinical testing. Allele origin: germline.
Comment: Variant summary: GRIN2D c.3697C>G (p.Pro1233Ala) results in a non-conservative amino acid change in the encoded protein sequence. Four of five in-silico tools predict a benign effect of the variant on protein function. The variant allele was found at a frequency of 3.8e-05 in 1076760 control chromosomes, predominantly at a frequency of 0.0022 within the Latino subpopulation in the gnomAD database. The observed variant frequency within Latino control individuals in the gnomAD database exceeds the estimated maximal expected allele frequency for a pathogenic variant in GRIN2D causing Epileptic Encephalopathy, Early Infantile, 46 phenotype. To our knowledge, no occurrence of c.3697C>G in individuals affected with Epileptic Encephalopathy, Early Infantile, 46 and no experimental evidence demonstrating its impact on protein function have been reported. ClinVar contains an entry for this variant (Variation ID: 1649814). Based on the evidence outlined above, the variant was classified as likely benign.

NM_000836.4(GRIN2D):c.3697C>G (p.Pro1233Ala)

Gene: GRIN2D (glutamate ionotropic receptor NMDA type subunit 2D; plus strand). Cytogenetic location: 19q13.33.
Variant type: single nucleotide variant.
Coding change: c.3697C>G on transcript NM_000836.4 (MANE Select); coding-DNA position 3697, C replaced by G.
Protein change: p.Pro1233Ala; replaces proline 1233 with alanine.
Molecular consequence: missense variant.
Genome position (GRCh38, 1-based): chr19:48,443,623, C>G. VCF-style: chr19-48443623-C-G. GRCh37 (hg19) VCF-style: chr19-48946880-C-G.
Other names: c.3697C>G (NM_000836.2); short protein forms P1233A.
Identifiers: ClinVar variation 1649814 (VCV001649814.13), dbSNP rs891894351, ClinGen allele CA309299477.
Genomic context (GRCh38, chr19:48,443,623, plus strand): 5'-CCCTGGGCCGCCGGGCCCCTGCCCCGACGCCGGGCCCGCTGCGGGTGCCCGCGGTCGCAC[C>G]CGCACCGCCCGCGGGCCTCGCACCGCACGCCCGCCGCCGCCGCGCCCCACCACCACAGGC-3'
Protein context (NP_000827.2, residues 1223-1243): RARCGCPRSH[Pro1233Ala]HRPRASHRTP